The following is an entry in ClinVar:

ClinVar aggregate classification (germline): Uncertain significance (1 of 4 stars; one submission).

Conditions:
Short-rib thoracic dysplasia 11 with or without polydactyly (SRTD11). Also called: SHORT-RIB THORACIC DYSPLASIA 11 WITHOUT POLYDACTYLY. Identifiers: Orphanet 474, Orphanet 93271, MedGen C3810200, MONDO:0014287, OMIM 615633.

Allele frequency attached by ClinVar (database versions not stated): gnomAD exomes below 0.00001; TOPMed 0.00002.
gnomAD v4.1: 4 of 1,613,614 alleles (0.00025%); highest among the groups gnomAD compares: South Asian, 0.0022%; no homozygotes.

Submission:

Labcorp Genetics (formerly Invitae), Labcorp
Classification: Uncertain significance for Short-rib thoracic dysplasia 11 with or without polydactyly. Last evaluated: 2021-10-08. Review status: criteria provided, single submitter. Criteria: Invitae Variant Classification Sherloc (09022015). Collection method: clinical testing. Allele origin: germline.
Comment: In summary, the available evidence is currently insufficient to determine the role of this variant in disease. Therefore, it has been classified as a Variant of Uncertain Significance. Algorithms developed to predict the effect of missense changes on protein structure and function output the following: SIFT: "Tolerated"; PolyPhen-2: "Benign"; Align-GVGD: "Class C0". The threonine amino acid residue is found in multiple mammalian species, which suggests that this missense change does not adversely affect protein function. This variant has not been reported in the literature in individuals affected with WDR34-related conditions. This variant is present in population databases (rs752702804, ExAC 0.006%). This sequence change replaces alanine with threonine at codon 524 of the WDR34 protein (p.Ala524Thr). The alanine residue is moderately conserved and there is a small physicochemical difference between alanine and threonine.

NM_052844.4(DYNC2I2):c.1570G>A (p.Ala524Thr)

Gene: DYNC2I2 (dynein 2 intermediate chain 2; minus strand). Cytogenetic location: 9q34.11.
Variant type: single nucleotide variant.
Coding change: c.1570G>A on transcript NM_052844.4 (MANE Select); coding-DNA position 1570, G replaced by A.
Protein change: p.Ala524Thr; replaces alanine 524 with threonine.
Molecular consequence: missense variant.
Genome position (GRCh38, 1-based): chr9:128,633,785, C>T on the plus strand (G>A on the coding strand, the complement: DYNC2I2 is on the minus strand). VCF-style: chr9-128633785-C-T. GRCh37 (hg19) VCF-style: chr9-131396064-C-T.
Other names: short protein forms A524T.
Identifiers: ClinVar variation 1681164 (VCV001681164.6), dbSNP rs752702804, ClinGen allele CA5266154.